The following is an entry in ClinVar:

NM_000214.3(JAG1):c.1270G>A (p.Ala424Thr)

Gene: JAG1 (jagged canonical Notch ligand 1; minus strand). Cytogenetic location: 20p12.2.
Variant type: single nucleotide variant.
Coding change: c.1270G>A on transcript NM_000214.3 (MANE Select); coding-DNA position 1270, G replaced by A.
Protein change: p.Ala424Thr; replaces alanine 424 with threonine.
Molecular consequence: missense variant.
Genome position (GRCh38, 1-based): chr20:10,649,600, C>T on the plus strand (G>A on the coding strand, the complement: JAG1 is on the minus strand). VCF-style: chr20-10649600-C-T. GRCh37 (hg19) VCF-style: chr20-10630248-C-T.
Other names: c.1270G>A (NM_000214.2); short protein forms A424T.
Identifiers: ClinVar variation 1358646 (VCV001358646.9), dbSNP rs755648887, ClinGen allele CA9764924.

ClinVar aggregate classification (germline): Conflicting classifications of pathogenicity. Review status: criteria provided, conflicting classifications (1 of 4 stars). 3 submissions from 3 submitters: Uncertain significance (2); Likely benign (1). Last evaluated 2026-04-08.

Conditions:
JAG1-related disorder. Also called: JAG1-related disorders; JAG1-related condition.
Alagille syndrome due to a JAG1 point mutation. Also called: Alagille Syndrome 1; HEPATIC DUCTULAR HYPOPLASIA, SYNDROMATIC; JAG1-Related Alagille Syndrome. Identifiers: Orphanet 261619, Orphanet 52, MedGen C1956125, MONDO:0016862, OMIM 118450.
Deafness, congenital heart defects, and posterior embryotoxon (DCHE). Identifiers: MedGen C1866053, MONDO:0060713, OMIM 617992.
Charcot-Marie-Tooth disease, axonal, Type 2HH. Also called: CHARCOT-MARIE-TOOTH NEUROPATHY, TYPE 2HH. Identifiers: MedGen C5562003, MONDO:0030458, OMIM 619574.
Tetralogy of Fallot (TOF). Identifiers: Orphanet 3303, MedGen C0039685, MONDO:0008542, OMIM 187500, HP:0001636.

Allele frequency attached by ClinVar (database versions not stated): gnomAD 0.00001; gnomAD exomes 0.00001 and 0.00003; TOPMed 0.00003; ExAC 0.00005.
gnomAD v4.1: 12 of 1,613,438 alleles (0.00074%); highest among the groups gnomAD compares: East Asian, 0.0089%; no homozygotes.

Submissions (3):

PreventionGenetics, part of Exact Sciences
Classification: Uncertain significance for JAG1-related condition. Last evaluated: 2026-04-08. Review status: criteria provided, single submitter. Criteria: ACMG Guidelines, 2015. Collection method: clinical testing. Allele origin: germline.
Comment: The JAG1 c.1270G>A variant is predicted to result in the amino acid substitution p.Ala424Thr. To our knowledge, this variant has not been reported in the literature. This variant is reported in 0.027% of alleles in individuals of East Asian descent in gnomAD, which may be too common to be a primary cause of disease. Although we suspect that this variant may be benign, at this time, the clinical significance of this variant is uncertain due to the absence of conclusive functional and genetic evidence.

Fulgent Genetics
Classification: Uncertain significance for Alagille syndrome due to a JAG1 point mutation; Tetralogy of Fallot; Deafness, congenital heart defects, and posterior embryotoxon; Charcot-Marie-Tooth disease, axonal, Type 2HH. Last evaluated: 2024-03-07. Review status: criteria provided, single submitter. Criteria: ACMG Guidelines, 2015. Collection method: clinical testing. Allele origin: germline.

Labcorp Genetics (formerly Invitae), Labcorp
Classification: Likely benign for Alagille syndrome due to a JAG1 point mutation. Last evaluated: 2023-08-14. Review status: criteria provided, single submitter. Criteria: Invitae Variant Classification Sherloc (09022015). Collection method: clinical testing. Allele origin: germline.